The following is an entry in ClinVar:

NM_004646.4(NPHS1):c.619del (p.Arg207fs)

Gene: NPHS1 (NPHS1 adhesion molecule, nephrin; minus strand). Cytogenetic location: 19q13.12.
Variant type: Deletion.
Coding change: c.619del on transcript NM_004646.4 (MANE Select); coding-DNA position 619, one base deleted (C; older notation c.619delC).
Protein change: p.Arg207fs; shifts the reading frame from arginine 207.
Molecular consequence: frameshift variant.
Genome position (GRCh38, 1-based): chr19:35,849,643, G deleted on the plus strand (C on the coding strand, the reverse complement: NPHS1 is on the minus strand); the first of 4 consecutive G bases (chr19:35,849,643-35,849,646); deleting any one gives the same sequence. VCF-style (leftmost placement, unchanged base first): chr19-35849642-CG-C. GRCh37 (hg19) VCF-style: chr19-36340544-CG-C.
Other names: c.619delC (NM_004646.3); short protein forms R207fs.
Identifiers: ClinVar variation 370188 (VCV000370188.23), dbSNP rs778217926, ClinGen allele CA9390715.

ClinVar aggregate classification (germline): Pathogenic. Review status: criteria provided, multiple submitters, no conflicts (2 of 4 stars). 7 submissions from 7 submitters: Pathogenic (4). 3 of the submissions do not count toward it. Last evaluated 2026-01-14.

Conditions:
Finnish congenital nephrotic syndrome (NPHS1). Also called: NEPHROTIC SYNDROME, TYPE 1. Identifiers: Orphanet 839, MedGen C0403399, MONDO:0009732, OMIM 256300.
Nephrotic syndrome. Identifiers: MedGen C0027726, MONDO:0005377, HP:0000100.
NPHS1-related disorder. Also called: NPHS1-related condition.

Submissions (7):

Labcorp Genetics (formerly Invitae), Labcorp
Classification: Pathogenic. Last evaluated: 2026-01-14. Review status: criteria provided, single submitter. Criteria: Invitae Variant Classification Sherloc (09022015). Collection method: clinical testing. Allele origin: germline.
Comment: This sequence change creates a premature translational stop signal (p.Arg207Glyfs*28) in the NPHS1 gene. It is expected to result in an absent or disrupted protein product. Loss-of-function variants in NPHS1 are known to be pathogenic (PMID: 11317351, 11854170, 12039988). This variant is present in population databases (rs778217926, gnomAD 0.002%). This premature translational stop signal has been observed in individual(s) with NPHS1-related conditions (PMID: 20507940, 29474669). ClinVar contains an entry for this variant (Variation ID: 370188). For these reasons, this variant has been classified as Pathogenic.

Natera, Inc.
Classification: Pathogenic for Finnish congenital nephrotic syndrome. Last evaluated: 2025-11-06. Review status: criteria provided, single submitter. Criteria: Natera Variant Classification Schema (03/2026). Collection method: clinical testing. Allele origin: germline.
Comment: The c.619delC variant in NPHS1 is a frameshift variant predicted to shift the reading frame beginning at codon 207 and leads to a stop codon 28 codons downstream. This variant is expected to result in nonsense mediated decay, truncation, or a dysfunctional protein product. This variant is rare in the general population with a frequency below the threshold expected for the associated phenotype(s). This variant has been observed in one or more individuals affected with the associated recessive disease, as either homozygous or compound heterozygous with a second variant (PMID: 2394959). Given the available evidence, this variant is classified as Pathogenic.

Fulgent Genetics
Classification: Pathogenic for Finnish congenital nephrotic syndrome. Last evaluated: 2024-03-27. Review status: criteria provided, single submitter. Criteria: ACMG Guidelines, 2015. Collection method: clinical testing. Allele origin: germline.

Women's Health and Genetics/Laboratory Corporation of America, LabCorp
Classification: Pathogenic for Finnish congenital nephrotic syndrome. Last evaluated: 2021-02-19. Review status: criteria provided, single submitter. Criteria: LabCorp Variant Classification Summary - May 2015. Collection method: clinical testing. Allele origin: germline.
Comment: Variant summary: NPHS1 c.619delC (p.Arg207GlyfsX28) results in a premature termination codon, predicted to cause a truncation of the encoded protein or absence of the protein due to nonsense mediated decay, which are commonly known mechanisms for disease. Truncations downstream of this position have been classified as pathogenic by our laboratory. The variant allele was found at a frequency of 8e-06 in 251218 control chromosomes. c.619delC has been reported in the literature in individuals affected with Nephrotic Syndrome, Type 1 (Machuca_2010, Wong_2013, Berody_2019). To our knowledge, no experimental evidence demonstrating an impact on protein function has been reported. One clinical diagnostic laboratory has submitted clinical-significance assessments for this variant to ClinVar after 2014 without evidence for independent evaluation. One laboratory classified the variant as likely pathogenic. Based on the evidence outlined above, the variant was classified as pathogenic.

PreventionGenetics, part of Exact Sciences
Classification: Pathogenic for NPHS1-related condition. Last evaluated: 2024-05-11. Review status: no assertion criteria provided. Collection method: clinical testing. Allele origin: germline. Not counted in ClinVar's aggregate classification.
Comment: The NPHS1 c.619delC variant is predicted to result in a frameshift and premature protein termination (p.Arg207Glyfs*28). This variant was reported in individuals with nephrotic syndrome (Machuca et al 2010. PubMed ID: 20507940; Bérody et al 2019. PubMed ID: 29474669; Wong et al 2013. PubMed ID: 23949594). This variant is reported in 0.0018% of alleles in individuals of European (Non-Finnish) descent in gnomAD. Frameshift variants in NPHS1 are expected to be pathogenic. This variant is interpreted as pathogenic.

Sydney Genome Diagnostics, Children's Hospital Westmead
Classification: Likely pathogenic for Nephrotic syndrome. Last evaluated: 2018-06-28. Review status: no assertion criteria provided. Collection method: clinical testing. Allele origin: unknown. Affected: yes. Observed: 1 variant allele, 1 compound heterozygote. Not counted in ClinVar's aggregate classification.
Comment: This frameshifting variant is predicted to create a premature stop codon p.(Arg207Glyfs*28) and may result in a null allele due to nonsense-mediated mRNA decay. This variant has been reported in the gnomAD browser with a very low allele frequency of 0.008% (2 out of 246,004 alleles). To our knowledge, this variant has not been previously reported in the literature or any disease specific databases. However, other truncating variants downstream of this amino acid have been described in the ClinVar. This variant is considered to be likely pathogenic according to the ACMG guidelines.

Counsyl
Classification: Likely pathogenic for Finnish congenital nephrotic syndrome. Last evaluated: 2015-12-11. Review status: no assertion criteria provided. Collection method: clinical testing. Allele origin: unknown. Not counted in ClinVar's aggregate classification.

Literature cited by the submitters: PubMed 11317351 (cited by Labcorp Genetics (formerly Invitae), Labcorp); PubMed 11854170 (cited by Labcorp Genetics (formerly Invitae), Labcorp); PubMed 12039988 (cited by Labcorp Genetics (formerly Invitae), Labcorp); PubMed 20507940 (cited by 3 submitters); PubMed 29474669 (cited by Labcorp Genetics (formerly Invitae), Labcorp and Women's Health and Genetics/Laboratory Corporation of America, LabCorp); PubMed 2394959 (cited by Natera, Inc.); PubMed 23949594 (cited by Women's Health and Genetics/Laboratory Corporation of America, LabCorp).